The following is an entry in ClinVar:

ClinVar aggregate classification (germline): Uncertain significance (1 of 4 stars; one submission).

Conditions:
Atrial septal defect 5 (ASD5). Identifiers: Orphanet 1478, MedGen C2748552, MONDO:0013011, OMIM 612794.
Hypertrophic cardiomyopathy 11. Also called: ACTC1-Related Familial Hypertrophic Cardiomyopathy. Identifiers: MedGen C2677506, MONDO:0012799, OMIM 612098.
Dilated cardiomyopathy 1R (CMD1R). Identifiers: Orphanet 154, Orphanet 54260, MedGen C3150681, MONDO:0013261, OMIM 613424.

Submission:

Labcorp Genetics (formerly Invitae), Labcorp
Classification: Uncertain significance for Dilated cardiomyopathy 1R; Hypertrophic cardiomyopathy 11; Atrial septal defect 5. Last evaluated: 2021-11-14. Review status: criteria provided, single submitter. Criteria: Invitae Variant Classification Sherloc (09022015). Collection method: clinical testing. Allele origin: germline.
Comment: In summary, the available evidence is currently insufficient to determine the role of this variant in disease. Therefore, it has been classified as a Variant of Uncertain Significance. Algorithms developed to predict the effect of sequence changes on RNA splicing suggest that this variant may create or strengthen a splice site. Algorithms developed to predict the effect of missense changes on protein structure and function are either unavailable or do not agree on the potential impact of this missense change (SIFT: "Deleterious"; PolyPhen-2: "Benign"; Align-GVGD: "Class C65"). This missense change has been observed in individual(s) with hypertrophic cardiomyopathy (PMID: 27532257). This variant is not present in population databases (gnomAD no frequency). This sequence change replaces histidine, which is basic and polar, with tyrosine, which is neutral and polar, at codon 42 of the ACTC1 protein (p.His42Tyr).

Literature cited by the submitters: PubMed 27532257.

NM_005159.5(ACTC1):c.124C>T (p.His42Tyr)

Genes: ACTC1 (actin alpha cardiac muscle 1; minus strand), GJD2-DT (GJD2 divergent transcript; plus strand). Cytogenetic location: 15q14.
Variant type: single nucleotide variant.
Coding change: c.124C>T on transcript NM_005159.5 (MANE Select); coding-DNA position 124, C replaced by T.
Protein change: p.His42Tyr; replaces histidine 42 with tyrosine.
Molecular consequence: missense variant.
Genome position (GRCh38, 1-based): chr15:34,794,685, G>A on the plus strand (C>T on the coding strand, the complement: ACTC1 is on the minus strand). VCF-style: chr15-34794685-G-A. GRCh37 (hg19) VCF-style: chr15-35086886-G-A.
Other names: short protein forms H42Y.
Identifiers: ClinVar variation 1437046 (VCV001437046.6), dbSNP rs2140433161, ClinGen allele CA391633022.